The following is an entry in ClinVar:

NM_002473.6(MYH9):c.*238G>T

Gene: MYH9 (myosin heavy chain 9; minus strand). Cytogenetic location: 22q12.3.
Variant type: single nucleotide variant.
Coding change: c.*238G>T on transcript NM_002473.6 (MANE Select); 238 bases downstream of the stop codon, G replaced by T.
Molecular consequence: 3 prime UTR variant.
Genome position (GRCh38, 1-based): chr22:36,282,430, C>A on the plus strand (G>T on the coding strand, the complement: MYH9 is on the minus strand). VCF-style: chr22-36282430-C-A. GRCh37 (hg19) VCF-style: chr22-36678476-C-A.
Identifiers: ClinVar variation 341482 (VCV000341482.8), dbSNP rs11703176, ClinGen allele CA10654110.

ClinVar aggregate classification (germline): Benign. Review status: criteria provided, multiple submitters, no conflicts (2 of 4 stars). 4 submissions from 3 submitters: Benign (4). Last evaluated 2018-07-27.

Conditions:
Autosomal dominant nonsyndromic hearing loss 17. Also called: Autosomal dominant nonsyndromic deafness 17; Deafness, autosomal dominant 17. Identifiers: Orphanet 90635, MedGen C1863659, MONDO:0011350, OMIM 603622.
MYH9-related disorder. Identifiers: MedGen C1854520.

Allele frequency attached by ClinVar (database versions not stated): gnomAD exomes 0.21973; gnomAD 0.22062 and 0.23049; TOPMed 0.23043; 1000 Genomes Project 30x 0.36384; 1000 Genomes Project 0.36621.

Submissions (4):

GeneDx
Classification: Benign. Last evaluated: 2018-07-27. Review status: criteria provided, single submitter. Criteria: GeneDx Variant Classification Process June 2021. Collection method: clinical testing. Allele origin: germline. Affected: yes.

Illumina Laboratory Services, Illumina
Classification: Benign for MYH9-related disorder. Last evaluated: 2018-01-12. Review status: criteria provided, single submitter. Criteria: ICSL Variant Classification Criteria 13 December 2019. Collection method: clinical testing. Allele origin: germline.
Comment: This variant was observed in the ICSL laboratory as part of a predisposition screen in an ostensibly healthy population. It had not been previously curated by ICSL or reported in the Human Gene Mutation Database (HGMD: prior to June 1st, 2018), and was therefore a candidate for classification through an automated scoring system. Utilizing variant allele frequency, disease prevalence and penetrance estimates, and inheritance mode, an automated score was calculated to assess if this variant is too frequent to cause the disease. Based on the score and internal cut-off values, a variant classified as benign is not then subjected to further curation. The score for this variant resulted in a classification of benign for this disease.

Illumina Laboratory Services, Illumina
Classification: Benign for Autosomal dominant nonsyndromic hearing loss 17. Last evaluated: 2018-01-12. Review status: criteria provided, single submitter. Criteria: ICSL Variant Classification Criteria 13 December 2019. Collection method: clinical testing. Allele origin: germline.
Comment: the same text as in the submission from Illumina Laboratory Services, Illumina above.

Breakthrough Genomics
Classification: Benign. Review status: criteria provided, single submitter. Criteria: ACMG Guidelines, 2015. Collection method: not provided. Allele origin: germline. Inheritance: Autosomal dominant inheritance. Affected: yes.